The following is an entry in ClinVar:

ClinVar aggregate classification (germline): Pathogenic. Review status: criteria provided, multiple submitters, no conflicts (2 of 4 stars). 2 submissions from 2 submitters: Pathogenic (2). Last evaluated 2022-09-19.

Conditions:
Pheochromocytoma. Also called: MAX-Related Hereditary Paraganglioma-Pheochromocytoma Syndrome. Identifiers: Orphanet 29072, MedGen C0031511, MONDO:0008233, OMIM 171300, HP:0002666.
Pheochromocytoma/paraganglioma syndrome 4. Also called: CAROTID BODY TUMORS AND MULTIPLE EXTRAADRENAL PHEOCHROMOCYTOMAS; PARAGANGLIOMA, FAMILIAL MALIGNANT; PARAGANGLIOMAS, HEREDITARY EXTRAADRENAL; PHEOCHROMOCYTOMA, FAMILIAL EXTRAADRENAL; Paragangliomas 4; SDHB-Related Hereditary Paraganglioma-Pheochromocytoma Syndrome (Paragangliomas 4). Identifiers: Orphanet 29072, MedGen C1861848, MONDO:0007273, OMIM 115310.
Gastrointestinal stromal tumor. Also called: Gastrointestinal stromal tumor, somatic; Gastrointestinal stroma tumor. Identifiers: Orphanet 44890, MedGen C0238198, MeSH D046152, MONDO:0011719, OMIM 606764, HP:0100723.
Hereditary cancer-predisposing syndrome. Also called: Neoplastic Syndromes, Hereditary; Tumor predisposition; Hereditary Cancer Syndrome; Hereditary neoplastic syndrome. Identifiers: Orphanet 140162, MedGen C0027672, MeSH D009386, MONDO:0015356.

Submissions (2):

Ambry Genetics
Classification: Pathogenic for Hereditary cancer-predisposing syndrome. Last evaluated: 2022-09-19. Review status: criteria provided, single submitter. Criteria: Ambry Variant Classification Scheme 2023. Collection method: clinical testing. Allele origin: germline.
Comment: The c.686_687dupAG pathogenic mutation, located in coding exon 7 of the SDHB gene, results from a duplication of AG at nucleotide position 686, causing a translational frameshift with a predicted alternate stop codon (p.R230Sfs*19). This alteration occurs at the 3' terminus of theSDHB gene, is not expected to trigger nonsense-mediated mRNA decay, and only impacts the last 51 amino acids of the protein. However, premature stop codons are typically deleterious in nature, a significant portion of the protein is affected, and the impacted region is critical for protein function (Ambry internal data). This variant is considered to be rare based on population cohorts in the Genome Aggregation Database (gnomAD). Based on the supporting evidence, this alteration is interpreted as a disease-causing mutation.

Labcorp Genetics (formerly Invitae), Labcorp
Classification: Pathogenic for Gastrointestinal stromal tumor; Pheochromocytoma/paraganglioma syndrome 4; Pheochromocytoma. Last evaluated: 2022-05-10. Review status: criteria provided, single submitter. Criteria: Invitae Variant Classification Sherloc (09022015). Collection method: clinical testing. Allele origin: germline.
Comment: This sequence change creates a premature translational stop signal (p.Arg230Serfs*19) in the SDHB gene. While this is not anticipated to result in nonsense mediated decay, it is expected to disrupt the last 51 amino acid(s) of the SDHB protein. This variant is not present in population databases (gnomAD no frequency). This variant has not been reported in the literature in individuals affected with SDHB-related conditions. This variant disrupts a region of the SDHB protein in which other variant(s) (p.Ser239Tyrfs*8) have been determined to be pathogenic (PMID: 15328326; Invitae). This suggests that this is a clinically significant region of the protein, and that variants that disrupt it are likely to be disease-causing. For these reasons, this variant has been classified as Pathogenic.

Literature cited by the submitters: PubMed 15328326 (cited by Labcorp Genetics (formerly Invitae), Labcorp).

NM_003000.3(SDHB):c.686_687dup (p.Arg230fs)

Gene: SDHB (succinate dehydrogenase complex iron sulfur subunit B; minus strand). Cytogenetic location: 1p36.13.
Variant type: Duplication.
Coding change: c.686_687dup on transcript NM_003000.3 (MANE Select); coding-DNA positions 686 to 687, 2 bases duplicated (AG; older notation c.686_687dupAG).
Protein change: p.Arg230fs; shifts the reading frame from arginine 230.
Molecular consequence: frameshift variant.
Genome position (GRCh38, 1-based): chr1:17,022,686-17,022,687, CT duplicated on the plus strand (AG on the coding strand, the reverse complement: SDHB is on the minus strand); duplicating any 2 consecutive bases within chr1:17,022,686-17,022,688 gives the same sequence; the c. name uses the placement nearest the transcript's 3' end. VCF-style (leftmost placement, unchanged base first): chr1-17022685-G-GCT. GRCh37 (hg19) VCF-style: chr1-17349180-G-GCT.
Other names: c.631_632dup, p.Arg212Serfs (NM_001407361.1); c.686_687dupAG (NM_003000.2); short protein forms R230fs.
Identifiers: ClinVar variation 1755841 (VCV001755841.7), dbSNP rs2525004176, ClinGen allele CA2580060618.